The following is an entry in ClinVar:

ClinVar aggregate classification (germline): Uncertain significance (1 of 4 stars; one submission).

Submission:

Women's Health and Genetics/Laboratory Corporation of America, LabCorp
Classification: Uncertain significance. Last evaluated: 2023-05-23. Review status: criteria provided, single submitter. Criteria: LabCorp Variant Classification Summary - May 2015. Collection method: clinical testing. Allele origin: germline.
Comment: Variant summary: FTL c.213C>A (p.Asn71Lys) results in a non-conservative amino acid change located in the Ferritin/DPS protein domain (IPR008331) of the encoded protein sequence. Five of five in-silico tools predict a damaging effect of the variant on protein function. The variant was absent in 251382 control chromosomes (gnomAD). The available data on variant occurrences in the general population are insufficient to allow any conclusion about variant significance. To our knowledge, no occurrence of c.213C>A in individuals affected with L-Ferritin Deficiency and no experimental evidence demonstrating its impact on protein function have been reported. No clinical diagnostic laboratories have submitted clinical-significance assessments for this variant to ClinVar after 2014. Based on the evidence outlined above, the variant was classified as uncertain significance.

NM_000146.4(FTL):c.213C>A (p.Asn71Lys)

Gene: FTL (ferritin light chain; plus strand). Cytogenetic location: 19q13.33.
Variant type: single nucleotide variant.
Coding change: c.213C>A on transcript NM_000146.4 (MANE Select); coding-DNA position 213, C replaced by A.
Protein change: p.Asn71Lys; replaces asparagine 71 with lysine.
Molecular consequence: missense variant.
Genome position (GRCh38, 1-based): chr19:48,965,880, C>A. VCF-style: chr19-48965880-C-A. GRCh37 (hg19) VCF-style: chr19-49469137-C-A.
Other names: short protein forms N71K.
Identifiers: ClinVar variation 2506144 (VCV002506144.1), dbSNP rs373294865, ClinGen allele CA406756495.